The following is an entry in ClinVar:

NM_000089.4(COL1A2):c.1912C>T (p.Pro638Ser)

Gene: COL1A2 (collagen type I alpha 2 chain; plus strand). Cytogenetic location: 7q21.3.
Variant type: single nucleotide variant.
Coding change: c.1912C>T on transcript NM_000089.4 (MANE Select); coding-DNA position 1912, C replaced by T.
Protein change: p.Pro638Ser; replaces proline 638 with serine.
Molecular consequence: missense variant.
Genome position (GRCh38, 1-based): chr7:94,417,772, C>T. VCF-style: chr7-94417772-C-T. GRCh37 (hg19) VCF-style: chr7-94047084-C-T.
Other names: short protein forms P638S.
Identifiers: ClinVar variation 2051570 (VCV002051570.5), dbSNP rs369897305, ClinGen allele CA162930306.
Genomic context (GRCh38, chr7:94,417,772, plus strand): 5'-GTTTGACTCAAGGGTGAACCTGGTGTGGTTGGTGCTGTGGGCACTGCTGGTCCATCTGGT[C>T]CTAGTGGACTCCCAGGAGAGAGGGGTGCTGCTGGCATACCTGGAGGCAAGGGAGAAAAGG-3'
Protein context (NP_000080.2, residues 628-648): GAVGTAGPSG[Pro638Ser]SGLPGERGAA

ClinVar aggregate classification (germline): Uncertain significance. Review status: criteria provided, multiple submitters, no conflicts (2 of 4 stars). 3 submissions from 3 submitters: Uncertain significance (3). Last evaluated 2026-08-24.

Conditions:
Ehlers-Danlos syndrome, classic type, 1 (EDSCL1). Also called: EDS I; EHLERS-DANLOS SYNDROME, GRAVIS TYPE; EHLERS-DANLOS SYNDROME, SEVERE CLASSIC TYPE; Ehlers-Danlos Syndrome, Classic Type, COL5A1-Related; Ehlers-Danlos syndrome, type 1. Identifiers: MedGen C0268335, MONDO:0019567, OMIM 130000.
Osteogenesis imperfecta type I (OI1). Also called: OI, TYPE I; OSTEOGENESIS IMPERFECTA TARDA; OSTEOGENESIS IMPERFECTA WITH BLUE SCLERAE; Osteogenesis imperfecta type 1; Classic Non-deforming Osteogenesis Imperfecta with Blue Sclerae; Lobstein's Disease. Identifiers: Orphanet 216796, Orphanet 666, MedGen C0023931, MONDO:0008146, OMIM 166200. Disease mechanism: loss of function.
Cardiovascular phenotype. Identifiers: MedGen CN230736.
COL1A2-related disorder. Also called: COL1A2-related condition; COL1A2-Related Disorders.

Allele frequency attached by ClinVar (database versions not stated): gnomAD 0.00001; ESP Exome Variant Server 0.00008; TOPMed 0.00002.
gnomAD v4.1: 3 of 1,604,494 alleles (0.00019%); highest among the groups gnomAD compares: African/African-American, 0.0027%; no homozygotes.

Submissions (3):

Ambry Genetics
Classification: Uncertain significance for Cardiovascular phenotype. Last evaluated: 2026-08-24. Review status: criteria provided, single submitter. Criteria: Ambry Variant Classification Scheme 2023. Collection method: clinical testing. Allele origin: germline.
Comment: The p.P638S variant (also known as c.1912C>T), located in coding exon 32 of the COL1A2 gene, results from a C to T substitution at nucleotide position 1912. The proline at codon 638 is replaced by serine, an amino acid with similar properties. This amino acid position is conserved. In addition, the in silico prediction for this alteration is inconclusive. Based on the available evidence, the clinical significance of this variant remains unclear.

Labcorp Genetics (formerly Invitae), Labcorp
Classification: Uncertain significance for Osteogenesis imperfecta type I; Ehlers-Danlos syndrome, classic type, 1. Last evaluated: 2026-02-02. Review status: criteria provided, single submitter. Criteria: Invitae Variant Classification Sherloc (09022015). Collection method: clinical testing. Allele origin: germline.
Comment: This sequence change replaces proline, which is neutral and non-polar, with serine, which is neutral and polar, at codon 638 of the COL1A2 protein (p.Pro638Ser). The frequency data for this variant in the population databases is considered unreliable, as metrics indicate poor data quality at this position in the gnomAD database. This variant has not been reported in the literature in individuals affected with COL1A2-related conditions. ClinVar contains an entry for this variant (Variation ID: 2051570). Invitae Evidence Modeling of protein sequence and biophysical properties (such as structural, functional, and spatial information, amino acid conservation, physicochemical variation, residue mobility, and thermodynamic stability) indicates that this missense variant is not expected to disrupt COL1A2 protein function with a negative predictive value of 95%. In summary, the available evidence is currently insufficient to determine the role of this variant in disease. Therefore, it has been classified as a Variant of Uncertain Significance.

PreventionGenetics, part of Exact Sciences
Classification: Uncertain significance for COL1A2-related condition. Last evaluated: 2023-08-05. Review status: criteria provided, single submitter. Criteria: ACMG Guidelines, 2015. Collection method: clinical testing. Allele origin: germline.
Comment: The COL1A2 c.1912C>T variant is predicted to result in the amino acid substitution p.Pro638Ser. To our knowledge, this variant has not been reported in the literature. This variant is reported in 1 of ~234,000 alleles in gnomAD. An alternate nucleotide change affecting the same amino acid (p.Pro638Leu) has been reported in an individual with suspected osteogenesis imperfecta (Supplement, Li et al 2019. PubMed ID: 30715774). At this time, the clinical significance of the c.1912C>T (p.Pro638Ser) variant is uncertain due to the absence of conclusive functional and genetic evidence.